The following is an entry in ClinVar:

ClinVar aggregate classification (germline): Uncertain significance (0 of 4 stars; one submission).

Conditions:
UNC13A-related disorder. Also called: UNC13A-related condition.

gnomAD v4.1: 2 of 1,592,674 alleles (0.00013%); highest among the groups gnomAD compares: Non-Finnish European, 0.00017%; no homozygotes.

Submission:

PreventionGenetics, part of Exact Sciences
Classification: Uncertain significance for UNC13A-related condition. Last evaluated: 2024-02-21. Review status: no assertion criteria provided. Collection method: clinical testing. Allele origin: germline.
Comment: The UNC13A c.2668T>A variant is predicted to result in the amino acid substitution p.Cys890Ser. To our knowledge, this variant has not been reported in the literature. This variant is reported in 0.0047% of alleles in individuals of European (Finnish) descent in gnomAD. At this time, the clinical significance of this variant is uncertain due to the absence of conclusive functional and genetic evidence.

NM_001080421.3(UNC13A):c.2668T>A (p.Cys890Ser)

Gene: UNC13A (unc-13 homolog A; minus strand). Cytogenetic location: 19p13.11.
Variant type: single nucleotide variant.
Coding change: c.2668T>A on transcript NM_001080421.3 (MANE Select); coding-DNA position 2668, T replaced by A.
Protein change: p.Cys890Ser; replaces cysteine 890 with serine.
Molecular consequence: missense variant.
Genome position (GRCh38, 1-based): chr19:17,640,630, A>T on the plus strand (T>A on the coding strand, the complement: UNC13A is on the minus strand). VCF-style: chr19-17640630-A-T. GRCh37 (hg19) VCF-style: chr19-17751439-A-T.
Other names: c.2662T>A, p.Cys888Ser (NM_001387021.1, NM_001387022.1, NM_001387023.1); short protein forms C888S, C890S.
Identifiers: ClinVar variation 3349971 (VCV003349971.1).